The following is an entry in ClinVar:

ClinVar aggregate classification (germline): Uncertain significance (0 of 4 stars; one submission).

Conditions:
CHD4-related disorder. Also called: CHD4-related condition.

Submission:

PreventionGenetics, part of Exact Sciences
Classification: Uncertain significance for CHD4-related condition. Last evaluated: 2024-06-11. Review status: no assertion criteria provided. Collection method: clinical testing. Allele origin: germline.
Comment: The CHD4 c.2896A>G variant is predicted to result in the amino acid substitution p.Met966Val. To our knowledge, this variant has not been reported in the literature or in a large population database, indicating this variant is rare. At this time, the clinical significance of this variant is uncertain due to the absence of conclusive functional and genetic evidence.

NM_001273.5(CHD4):c.2896A>G (p.Met966Val)

Gene: CHD4 (chromodomain helicase DNA binding protein 4; minus strand). Cytogenetic location: 12p13.31.
Variant type: single nucleotide variant.
Coding change: c.2896A>G on transcript NM_001273.5 (MANE Select); coding-DNA position 2896, A replaced by G.
Protein change: p.Met966Val; replaces methionine 966 with valine.
Molecular consequence: missense variant.
Genome position (GRCh38, 1-based): chr12:6,592,445, T>C on the plus strand (A>G on the coding strand, the complement: CHD4 is on the minus strand). VCF-style: chr12-6592445-T-C. GRCh37 (hg19) VCF-style: chr12-6701611-T-C.
Other names: c.2875A>G, p.Met959Val (NM_001297553.2); c.2857A>G, p.Met953Val (NM_001363606.2); short protein forms M953V, M959V, M966V.
Identifiers: ClinVar variation 3344095 (VCV003344095.1).
Genomic context (GRCh38, chr12:6,592,445, plus strand): 5'-CAACTCACTTCTGCATAGGGCTCAGCTCCACACGCACAATTAGTTCTGTCTTGGAGGGCA[T>C]GTTCTTGAACACATCGGCTTTGAGCCGCCGCAACATGTGCGGCCCCAGCATGTCATGCAG-3'
Protein context (NP_001264.2, residues 956-976): RRLKADVFKN[Met966Val]PSKTELIVRV